The following is an entry in ClinVar:

NM_001113378.2(FANCI):c.3495C>G (p.Asp1165Glu)

Gene: FANCI (FA complementation group I; plus strand). Cytogenetic location: 15q26.1.
Variant type: single nucleotide variant.
Coding change: c.3495C>G on transcript NM_001113378.2 (MANE Select); coding-DNA position 3495, C replaced by G.
Protein change: p.Asp1165Glu; replaces aspartic acid 1165 with glutamic acid.
Molecular consequence: missense variant.
Genome position (GRCh38, 1-based): chr15:89,306,152, C>G. VCF-style: chr15-89306152-C-G. GRCh37 (hg19) VCF-style: chr15-89849383-C-G.
Other names: c.3216C>G, p.Asp1072Glu (NM_001376910.1); c.3495C>G, p.Asp1165Glu (NM_001376911.1); c.3315C>G, p.Asp1105Glu (NM_018193.3); short protein forms D1072E, D1105E, D1165E.
Identifiers: ClinVar variation 2121708 (VCV002121708.4), dbSNP rs2508508091, ClinGen allele CA393740642.

ClinVar aggregate classification (germline): Uncertain significance (1 of 4 stars; one submission).

Conditions:
Fanconi anemia (FA). Also called: Fanconi's anemia. Identifiers: Orphanet 84, MedGen C0015625, MeSH D005199, MONDO:0019391.

Submission:

Labcorp Genetics (formerly Invitae), Labcorp
Classification: Uncertain significance for Fanconi anemia. Last evaluated: 2022-04-04. Review status: criteria provided, single submitter. Criteria: Invitae Variant Classification Sherloc (09022015). Collection method: clinical testing. Allele origin: germline.
Comment: This sequence change replaces aspartic acid, which is acidic and polar, with glutamic acid, which is acidic and polar, at codon 1165 of the FANCI protein (p.Asp1165Glu). This variant is not present in population databases (gnomAD no frequency). This variant has not been reported in the literature in individuals affected with FANCI-related conditions. Algorithms developed to predict the effect of missense changes on protein structure and function (SIFT, PolyPhen-2, Align-GVGD) all suggest that this variant is likely to be tolerated. In summary, the available evidence is currently insufficient to determine the role of this variant in disease. Therefore, it has been classified as a Variant of Uncertain Significance.